The following is an entry in ClinVar:

NM_004525.3(LRP2):c.4406T>A (p.Val1469Glu)

Gene: LRP2 (LDL receptor related protein 2; minus strand). Cytogenetic location: 2q31.1.
Variant type: single nucleotide variant.
Coding change: c.4406T>A on transcript NM_004525.3 (MANE Select); coding-DNA position 4406, T replaced by A.
Protein change: p.Val1469Glu; replaces valine 1469 with glutamic acid.
Molecular consequence: missense variant.
Genome position (GRCh38, 1-based): chr2:169,238,191, A>T on the plus strand (T>A on the coding strand, the complement: LRP2 is on the minus strand). VCF-style: chr2-169238191-A-T. GRCh37 (hg19) VCF-style: chr2-170094701-A-T.
Other names: short protein forms V1469E.
Identifiers: ClinVar variation 2005145 (VCV002005145.4), dbSNP rs2528363105, ClinGen allele CA349144634.

ClinVar aggregate classification (germline): Uncertain significance (1 of 4 stars; one submission).

Submission:

Labcorp Genetics (formerly Invitae), Labcorp
Classification: Uncertain significance. Last evaluated: 2022-06-12. Review status: criteria provided, single submitter. Criteria: Invitae Variant Classification Sherloc (09022015). Collection method: clinical testing. Allele origin: germline.
Comment: This sequence change replaces valine, which is neutral and non-polar, with glutamic acid, which is acidic and polar, at codon 1469 of the LRP2 protein (p.Val1469Glu). In summary, the available evidence is currently insufficient to determine the role of this variant in disease. Therefore, it has been classified as a Variant of Uncertain Significance. Advanced modeling of protein sequence and biophysical properties (such as structural, functional, and spatial information, amino acid conservation, physicochemical variation, residue mobility, and thermodynamic stability) performed at Invitae indicates that this missense variant is expected to disrupt LRP2 protein function. This variant has not been reported in the literature in individuals affected with LRP2-related conditions. This variant is not present in population databases (gnomAD no frequency).